The following is an entry in ClinVar:

NM_013962.3(NRG1):c.15C>G (p.Arg5=)

Gene: NRG1 (neuregulin 1; plus strand). Cytogenetic location: 8p12.
Variant type: single nucleotide variant.
Coding change: c.15C>G on transcript NM_013962.3; coding-DNA position 15, C replaced by G.
Protein change: p.Arg5=; no amino-acid change (arginine 5 retained).
Molecular consequence: synonymous variant. On other transcripts: intron variant (5).
Genome position (GRCh38, 1-based): chr8:31,639,999, C>G. VCF-style: chr8-31639999-C-G. GRCh37 (hg19) VCF-style: chr8-31497515-C-G.
Other names: c.37+568C>G (NM_001159999.3, NM_001159995.3, NM_001160001.3); c.-556+568C>G (NM_001322201.2); c.-505+568C>G (NM_001322202.2).
Identifiers: ClinVar variation 3042743 (VCV003042743.2), dbSNP rs761240700, ClinGen allele CA4705328.

ClinVar aggregate classification (germline): Likely benign (0 of 4 stars; one submission).

Conditions:
NRG1-related disorder. Also called: NRG1-related condition.

Allele frequency attached by ClinVar (database versions not stated): gnomAD exomes 0.00006; gnomAD 0.00004.
gnomAD v4.1: 61 of 1,122,022 alleles (0.0054%); highest among the groups gnomAD compares: Middle Eastern, 0.29%; no homozygotes.

Submission:

PreventionGenetics, part of Exact Sciences
Classification: Likely benign for NRG1-related condition. Last evaluated: 2019-02-21. Review status: no assertion criteria provided. Collection method: clinical testing. Allele origin: germline.
Comment: This variant is classified as likely benign based on ACMG/AMP sequence variant interpretation guidelines (Richards et al. 2015 PMID: 25741868, with internal and published modifications).